The following is an entry in ClinVar:

NM_198506.5(LRIT3):c.815T>C (p.Leu272Pro)

Gene: LRIT3 (leucine rich repeat, Ig-like and transmembrane domains 3; plus strand). Cytogenetic location: 4q25.
Variant type: single nucleotide variant.
Coding change: c.815T>C on transcript NM_198506.5 (MANE Select); coding-DNA position 815, T replaced by C.
Protein change: p.Leu272Pro; replaces leucine 272 with proline.
Molecular consequence: missense variant.
Genome position (GRCh38, 1-based): chr4:109,867,866, T>C. VCF-style: chr4-109867866-T-C. GRCh37 (hg19) VCF-style: chr4-110789022-T-C.
Other names: short protein forms L272P.
Identifiers: ClinVar variation 965803 (VCV000965803.7), dbSNP rs1734723903, ClinGen allele CA357868088.

ClinVar aggregate classification (germline): Uncertain significance (1 of 4 stars; one submission).

Submission:

Labcorp Genetics (formerly Invitae), Labcorp
Classification: Uncertain significance. Last evaluated: 2019-11-13. Review status: criteria provided, single submitter. Criteria: Invitae Variant Classification Sherloc (09022015). Collection method: clinical testing. Allele origin: germline.
Comment: In summary, the available evidence is currently insufficient to determine the role of this variant in disease. Therefore, it has been classified as a Variant of Uncertain Significance. Algorithms developed to predict the effect of missense changes on protein structure and function (SIFT, PolyPhen-2, Align-GVGD) all suggest that this variant is likely to be disruptive, but these predictions have not been confirmed by published functional studies and their clinical significance is uncertain. This variant has not been reported in the literature in individuals with LRIT3-related conditions. This variant is not present in population databases (ExAC no frequency). This sequence change replaces leucine with proline at codon 272 of the LRIT3 protein (p.Leu272Pro). The leucine residue is highly conserved and there is a moderate physicochemical difference between leucine and proline.